The following is an entry in ClinVar:

ClinVar aggregate classification (germline): Conflicting classifications of pathogenicity. Review status: criteria provided, conflicting classifications (1 of 4 stars). 3 submissions from 2 submitters: Uncertain significance (2); Likely benign (1). Last evaluated 2024-02-14.

Conditions:
Transitory neonatal diabetes mellitus. Also called: Transient neonatal diabetes mellitus. Identifiers: MedGen C0342273, MONDO:0020525, HP:0008255.
Maturity-onset diabetes of the young (MODY). Also called: Maturity onset diabetes mellitus in young. Identifiers: Orphanet 552, MedGen C0342276, MONDO:0018911, HP:0004904.

Allele frequency attached by ClinVar (database versions not stated): gnomAD exomes below 0.00001; TOPMed below 0.00001; gnomAD 0.00001.
gnomAD v4.1: 5 of 1,614,088 alleles (0.00031%); highest among the groups gnomAD compares: African/African-American, 0.0027%; no homozygotes.

Submissions (3):

Labcorp Genetics (formerly Invitae), Labcorp
Classification: Likely benign. Last evaluated: 2024-02-14. Review status: criteria provided, single submitter. Criteria: Invitae Variant Classification Sherloc (09022015). Collection method: clinical testing. Allele origin: germline.

Clinical Genomics, Uppaluri K&H Personalized Medicine Clinic
Classification: Uncertain significance for Transitory neonatal diabetes mellitus. Review status: criteria provided, single submitter. Criteria: K & H Uppaluri Personalized Medicine Clinic Variant Classification & Assertion Criteria_Updated V.1. Collection method: research. Allele origin: unknown. Inheritance: Somatic mutation.
Comment: Mutations in ABCC8 gene are associated with both neonatal diabetes mellitus as well as MODY. Patients with this mutation may have a better response to sulfonylureas. However, no sufficient evidence is found to ascertain the role of this particular variant ( rs1591928903) in neonatal diabetes yet.

Clinical Genomics, Uppaluri K&H Personalized Medicine Clinic
Classification: Uncertain significance for Maturity-onset diabetes of the young. Review status: criteria provided, single submitter. Criteria: K & H Uppaluri Personalized Medicine Clinic Variant Classification & Assertion Criteria_Updated V.1. Collection method: research. Allele origin: unknown. Inheritance: Somatic mutation.
Comment: Mutations in ABCC8 gene are associated with both neonatal diabetes mellitus as well as MODY. Patients with this mutation may have a better response to sulfonylureas. However, no sufficient evidence is found to ascertain the role of this particular variant ( rs1591928903) in MODY yet.

Literature cited by the submitters: PubMed 16885549 (cited by Clinical Genomics, Uppaluri K&H Personalized Medicine Clinic); PubMed 21989597 (cited by Clinical Genomics, Uppaluri K&H Personalized Medicine Clinic); PubMed 27538677 (cited by Clinical Genomics, Uppaluri K&H Personalized Medicine Clinic); PubMed 18981553 (cited by Clinical Genomics, Uppaluri K&H Personalized Medicine Clinic); PubMed 32027066 (cited by Clinical Genomics, Uppaluri K&H Personalized Medicine Clinic); PubMed 16613899 (cited by Clinical Genomics, Uppaluri K&H Personalized Medicine Clinic); PubMed 18025408 (cited by Clinical Genomics, Uppaluri K&H Personalized Medicine Clinic); PubMed 32792356 (cited by Clinical Genomics, Uppaluri K&H Personalized Medicine Clinic).

NM_000352.6(ABCC8):c.165C>T (p.Ser55=)

Gene: ABCC8 (ATP binding cassette subfamily C member 8; minus strand). Cytogenetic location: 11p15.1.
Variant type: single nucleotide variant.
Coding change: c.165C>T on transcript NM_000352.6 (MANE Select); coding-DNA position 165, C replaced by T.
Protein change: p.Ser55=; no amino-acid change (serine 55 retained).
Molecular consequence: synonymous variant. On other transcripts: non-coding transcript variant (1).
Genome position (GRCh38, 1-based): chr11:17,475,011, G>A on the plus strand (C>T on the coding strand, the complement: ABCC8 is on the minus strand). VCF-style: chr11-17475011-G-A. GRCh37 (hg19) VCF-style: chr11-17496558-G-A.
Other names: c.165C>T, p.Ser55= (NM_001287174.3, NM_001351295.2, NM_001351296.2 and 1 more transcripts).
Identifiers: ClinVar variation 798801 (VCV000798801.10), dbSNP rs1591928903, ClinGen allele CA473302019.